The following is an entry in ClinVar:

ClinVar aggregate classification (germline): Conflicting classifications of pathogenicity. Review status: criteria provided, conflicting classifications (1 of 4 stars). 8 submissions from 8 submitters: Uncertain significance (1); Likely benign (7). Last evaluated 2026-02-04.

Conditions:
Familial thoracic aortic aneurysm and aortic dissection (TAAD). Also called: Thoracic aortic aneurysms and dissections. Identifiers: Orphanet 91387, MedGen C4707243, MONDO:0019625.
Aortic aneurysm, familial thoracic 7 (AAT7). Also called: AORTIC DISSECTION, FAMILIAL, WITH OR WITHOUT AORTIC ANEURYSM. Identifiers: MedGen C3151077, MONDO:0013418, OMIM 613780.

Allele frequency attached by ClinVar (database versions not stated): 1000 Genomes Project 0.00080; TOPMed 0.00103; 1000 Genomes Project 30x 0.00062; gnomAD 0.00090 and 0.00092; gnomAD exomes 0.00027 and 0.00013; ESP Exome Variant Server 0.00108; ExAC 0.00031.

Submissions (9):

Labcorp Genetics (formerly Invitae), Labcorp
Classification: Likely benign for Aortic aneurysm, familial thoracic 7. Last evaluated: 2026-02-04. Review status: criteria provided, single submitter. Criteria: Invitae Variant Classification Sherloc (09022015). Collection method: clinical testing. Allele origin: germline.

Women's Health and Genetics/Laboratory Corporation of America, LabCorp
Classification: Likely benign. Last evaluated: 2023-07-21. Review status: criteria provided, single submitter. Criteria: LabCorp Variant Classification Summary - May 2015. Collection method: clinical testing. Allele origin: germline.

Phosphorus, Inc.
Classification: Likely benign. Last evaluated: 2022-01-14. Review status: criteria provided, single submitter. Criteria: ACMG Guidelines, 2015. Collection method: clinical testing. Allele origin: germline. Inheritance: Autosomal dominant inheritance.
Comment: This missense variant represents an amino acid change of methionine with valine in codon 1236 of the MYLK gene; this codon is also within the splice region at the start of exon 22. This variant occurs in gnomAD with a total MAF of 0.0260% and highest MAF of 0.3790% in the African population, which is inconsistent with disease frequency. This position is not conserved. In silico functional models PolyPhen and SIFT predict this variant to be benign/tolerated; similarly, in silico splicing algorithms do not predict an impact to the splice site (MaxEntScan: 0.587). However, experimental functional or protein studies have not been performed to confirm these predictions. This variant is not present in the literature in association with disease. Considering this variant occurs relatively frequently and is not predicted to impact the protein or splicing, it is considered Likely Benign.

GeneDx
Classification: Likely benign. Last evaluated: 2021-01-20. Review status: criteria provided, single submitter. Criteria: GeneDx Variant Classification Process June 2021. Collection method: clinical testing. Allele origin: germline. Affected: yes.

ARUP Laboratories, Molecular Genetics and Genomics, ARUP Laboratories
Classification: Likely benign. Last evaluated: 2020-03-18. Review status: criteria provided, single submitter. Criteria: ARUP Molecular Germline Variant Investigation Process. Collection method: clinical testing. Allele origin: germline.

Ambry Genetics
Classification: Likely benign for Familial thoracic aortic aneurysm and aortic dissection. Last evaluated: 2020-03-02. Review status: criteria provided, single submitter. Criteria: Ambry Variant Classification Scheme 2023. Collection method: clinical testing. Allele origin: germline.

CHEO Genetics Diagnostic Laboratory, Children's Hospital of Eastern Ontario
Classification: Uncertain significance for Familial thoracic aortic aneurysm and aortic dissection. Last evaluated: 2016-07-25. Review status: criteria provided, single submitter. Criteria: ACMG Guidelines, 2015. Collection method: clinical testing. Allele origin: germline. Study: Canadian Open Genetics Repository.

PreventionGenetics, part of Exact Sciences
Classification: Likely benign. Review status: criteria provided, single submitter. Criteria: ACMG Guidelines, 2015. Collection method: clinical testing. Allele origin: germline.

Dr. Peter K. Rogan Lab, Western University
No classification provided (evidence only). Condition: Lung cancer. Review status: no classification provided. Collection method: in vitro. Allele origin: not applicable. Functional consequence: retained intron. Not counted in ClinVar's aggregate classification.

NM_053025.4(MYLK):c.3706A>G (p.Met1236Val)

Gene: MYLK (myosin light chain kinase; minus strand). Cytogenetic location: 3q21.1.
Variant type: single nucleotide variant.
Coding change: c.3706A>G on transcript NM_053025.4 (MANE Select); coding-DNA position 3706, A replaced by G.
Protein change: p.Met1236Val; replaces methionine 1236 with valine.
Molecular consequence: missense variant.
Genome position (GRCh38, 1-based): chr3:123,666,344, T>C on the plus strand (A>G on the coding strand, the complement: MYLK is on the minus strand). VCF-style: chr3-123666344-T-C. GRCh37 (hg19) VCF-style: chr3-123385191-T-C.
Other names: c.3178A>G, p.Met1060Val (NM_001321309.2); c.3499A>G, p.Met1167Val (NM_053026.4, NM_053028.4); c.3706A>G, p.Met1236Val (NM_053027.4); short protein forms M1236V, M1060V, M1167V.
Identifiers: ClinVar variation 262279 (VCV000262279.29), dbSNP rs113124819, ClinGen allele CA070134.